The following is an entry in ClinVar:

NM_004606.5(TAF1):c.1841G>A (p.Arg614Gln)

Gene: TAF1 (TATA-box binding protein associated factor 1; plus strand). Cytogenetic location: Xq13.1.
Variant type: single nucleotide variant.
Coding change: c.1841G>A on transcript NM_004606.5 (MANE Select); coding-DNA position 1841, G replaced by A.
Protein change: p.Arg614Gln; replaces arginine 614 with glutamine.
Molecular consequence: missense variant. On other transcripts: non-coding transcript variant (9).
Genome position (GRCh38, 1-based): chrX:71,383,058, G>A. VCF-style: chrX-71383058-G-A. GRCh37 (hg19) VCF-style: chrX-70602908-G-A.
Other names: c.1841G>A, p.Arg614Gln (NM_001286074.2); c.1778G>A, p.Arg593Gln (NM_138923.4); short protein forms R593Q, R614Q.
Identifiers: ClinVar variation 1513895 (VCV001513895.7), dbSNP rs2148288544, ClinGen allele CA413514736.

ClinVar aggregate classification (germline): Uncertain significance. Review status: criteria provided, multiple submitters, no conflicts (2 of 4 stars). 2 submissions from 2 submitters: Uncertain significance (2). Last evaluated 2024-03-14.

gnomAD v4.1: 2 of 1,211,226 alleles (0.00017%); highest among the groups gnomAD compares: African/African-American, 0.0017%; no homozygotes.

Submissions (2):

Blueprint Genetics
Classification: Uncertain significance. Last evaluated: 2024-03-14. Review status: criteria provided, single submitter. Criteria: ACMG Guidelines, 2015. Collection method: clinical testing. Allele origin: germline.

Labcorp Genetics (formerly Invitae), Labcorp
Classification: Uncertain significance. Last evaluated: 2022-07-06. Review status: criteria provided, single submitter. Criteria: Invitae Variant Classification Sherloc (09022015). Collection method: clinical testing. Allele origin: germline.
Comment: Algorithms developed to predict the effect of sequence changes on RNA splicing suggest that this variant may create or strengthen a splice site. In summary, the available evidence is currently insufficient to determine the role of this variant in disease. Therefore, it has been classified as a Variant of Uncertain Significance. Advanced modeling of protein sequence and biophysical properties (such as structural, functional, and spatial information, amino acid conservation, physicochemical variation, residue mobility, and thermodynamic stability) performed at Invitae indicates that this missense variant is expected to disrupt TAF1 protein function. This sequence change replaces arginine, which is basic and polar, with glutamine, which is neutral and polar, at codon 634 of the TAF1 protein (p.Arg634Gln). This variant is not present in population databases (gnomAD no frequency). This variant has not been reported in the literature in individuals affected with TAF1-related conditions. ClinVar contains an entry for this variant (Variation ID: 1513895).